The following is an entry in ClinVar:

NM_024685.4(BBS10):c.733T>G (p.Phe245Val)

Gene: BBS10 (Bardet-Biedl syndrome 10; minus strand). Cytogenetic location: 12q21.2.
Variant type: single nucleotide variant.
Coding change: c.733T>G on transcript NM_024685.4 (MANE Select); coding-DNA position 733, T replaced by G.
Protein change: p.Phe245Val; replaces phenylalanine 245 with valine.
Molecular consequence: missense variant.
Genome position (GRCh38, 1-based): chr12:76,347,252, A>C on the plus strand (T>G on the coding strand, the complement: BBS10 is on the minus strand). VCF-style: chr12-76347252-A-C. GRCh37 (hg19) VCF-style: chr12-76741032-A-C.
Other names: short protein forms F245V.
Identifiers: ClinVar variation 2500151 (VCV002500151.2), dbSNP rs2540956522, ClinGen allele CA385814525.

ClinVar aggregate classification (germline): Uncertain significance (1 of 4 stars; one submission).

Conditions:
Bardet-Biedl syndrome (BBS). Identifiers: Orphanet 110, MedGen C0752166, MONDO:0015229.

Submission:

SN ONGC Dept of Genetics and Molecular biology Vision Research Foundation
Classification: Uncertain significance for Bardet-Biedl syndrome. Last evaluated: 2023-06-02. Review status: criteria provided, single submitter. Criteria: ACMG Guidelines, 2015. Collection method: research. Allele origin: unknown. Affected: yes. Observed: 1 heterozygote.
Comment: This variant was observed in digenic inheritance with the variant NC_000020.10:g.10394156G>A.